The following is an entry in ClinVar:

NM_144643.4(SCLT1):c.1078G>C (p.Asp360His)

Gene: SCLT1 (sodium channel and clathrin linker 1; minus strand). Cytogenetic location: 4q28.2.
Variant type: single nucleotide variant.
Coding change: c.1078G>C on transcript NM_144643.4 (MANE Select); coding-DNA position 1078, G replaced by C.
Protein change: p.Asp360His; replaces aspartic acid 360 with histidine.
Molecular consequence: missense variant.
Genome position (GRCh38, 1-based): chr4:128,957,094, C>G on the plus strand (G>C on the coding strand, the complement: SCLT1 is on the minus strand). VCF-style: chr4-128957094-C-G. GRCh37 (hg19) VCF-style: chr4-129878249-C-G.
Other names: c.1078G>C, p.Asp360His (NM_001410807.1); short protein forms D360H.
Identifiers: ClinVar variation 3356887 (VCV003356887.1).

ClinVar aggregate classification (germline): Uncertain significance (0 of 4 stars; one submission).

Conditions:
SCLT1-related disorder. Also called: SCLT1-related condition.

Submission:

PreventionGenetics, part of Exact Sciences
Classification: Uncertain significance for SCLT1-related condition. Last evaluated: 2024-08-23. Review status: no assertion criteria provided. Collection method: clinical testing. Allele origin: germline.
Comment: The SCLT1 c.1078G>C variant is predicted to result in the amino acid substitution p.Asp360His. To our knowledge, this variant has not been reported in the literature or in a large population database, indicating this variant is rare. At this time, the clinical significance of this variant is uncertain due to the absence of conclusive functional and genetic evidence.